The following is an entry in ClinVar:

ClinVar aggregate classification (germline): Uncertain significance (1 of 4 stars; one submission).

gnomAD v4.1: 16 of 1,552,338 alleles (0.001%); highest among the groups gnomAD compares: East Asian, 0.039%; no homozygotes.

Submission:

Athena Diagnostics
Classification: Uncertain significance. Last evaluated: 2025-10-31. Review status: criteria provided, single submitter. Criteria: Athena Diagnostics Criteria. Collection method: clinical testing. Allele origin: unknown.
Comment: Available data are insufficient to determine the clinical significance of the variant at this time. The frequency of this variant in the general population is uninformative in assessment of its pathogenicity. Computational tools yielded inconclusive predictions regarding the effect of this variant on RNA splicing.

NM_022464.5(SIL1):c.865-6C>T

Gene: SIL1 (SIL1 nucleotide exchange factor; minus strand). Cytogenetic location: 5q31.2.
Variant type: single nucleotide variant.
Coding change: c.865-6C>T on transcript NM_022464.5 (MANE Select); 6 bases into the intron before coding-DNA position 865, C replaced by T.
Molecular consequence: intron variant.
Genome position (GRCh38, 1-based): chr5:138,951,341, G>A on the plus strand (C>T on the coding strand, the complement: SIL1 is on the minus strand). VCF-style: chr5-138951341-G-A. GRCh37 (hg19) VCF-style: chr5-138287030-G-A.
Other names: c.865-6C>T (NM_001037633.2).
Identifiers: ClinVar variation 4682156 (VCV004682156.1).